The following is an entry in ClinVar:

NM_014244.5(ADAMTS2):c.-6G>T

Gene: ADAMTS2 (ADAM metallopeptidase with thrombospondin type 1 motif 2; minus strand). Cytogenetic location: 5q35.3.
Variant type: single nucleotide variant.
Coding change: c.-6G>T on transcript NM_014244.5 (MANE Select); 6 bases upstream of the start codon, G replaced by T.
Molecular consequence: 5 prime UTR variant.
Genome position (GRCh38, 1-based): chr5:179,345,334, C>A on the plus strand (G>T on the coding strand, the complement: ADAMTS2 is on the minus strand). VCF-style: chr5-179345334-C-A. GRCh37 (hg19) VCF-style: chr5-178772335-C-A.
Other names: c.-6G>T (NM_021599.4).
Identifiers: ClinVar variation 2673039 (VCV002673039.23), dbSNP rs1757919871, ClinGen allele CA2676863505.

ClinVar aggregate classification (germline): Uncertain significance (1 of 4 stars; one submission).

Submission:

CeGaT Center for Human Genetics Tuebingen
Classification: Uncertain significance. Last evaluated: 2023-11-01. Review status: criteria provided, single submitter. Criteria: CeGaT Center For Human Genetics Tuebingen Variant Classification Criteria Version 2. Collection method: clinical testing. Allele origin: germline. Affected: yes. Observed: 1 variant allele.
Comment: ADAMTS2: PM2, BP4